The following is an entry in ClinVar:

ClinVar aggregate classification (germline): Uncertain significance. Review status: criteria provided, multiple submitters, no conflicts (2 of 4 stars). 2 submissions from 2 submitters: Uncertain significance (2). Last evaluated 2026-09-11.

Conditions:
Cardiovascular phenotype. Identifiers: MedGen CN230736.
Myofibrillar myopathy 6. Identifiers: Orphanet 199340, MedGen C2751831, MONDO:0013061, OMIM 612954.
Dilated cardiomyopathy 1HH (CMD1HH). Identifiers: Orphanet 154, MedGen C3151293, MONDO:0013479, OMIM 613881.

Submissions (2):

Ambry Genetics
Classification: Uncertain significance for Cardiovascular phenotype. Last evaluated: 2026-09-11. Review status: criteria provided, single submitter. Criteria: Ambry Variant Classification Scheme 2023. Collection method: clinical testing. Allele origin: germline.
Comment: The p.T568S variant (also known as c.1703C>G), located in coding exon 4 of the BAG3 gene, results from a C to G substitution at nucleotide position 1703. The threonine at codon 568 is replaced by serine, an amino acid with similar properties. This amino acid position is conserved. In addition, this alteration is predicted to be tolerated by in silico analysis. Based on the available evidence, the clinical significance of this variant remains unclear.

Labcorp Genetics (formerly Invitae), Labcorp
Classification: Uncertain significance for Dilated cardiomyopathy 1HH; Myofibrillar myopathy 6. Last evaluated: 2022-01-24. Review status: criteria provided, single submitter. Criteria: Invitae Variant Classification Sherloc (09022015). Collection method: clinical testing. Allele origin: germline.
Comment: In summary, the available evidence is currently insufficient to determine the role of this variant in disease. Therefore, it has been classified as a Variant of Uncertain Significance. Algorithms developed to predict the effect of missense changes on protein structure and function output the following: SIFT: "Tolerated"; PolyPhen-2: "Not Available"; Align-GVGD: "Class C0". The serine amino acid residue is found in multiple mammalian species, which suggests that this missense change does not adversely affect protein function. ClinVar contains an entry for this variant (Variation ID: 650209). This variant has not been reported in the literature in individuals affected with BAG3-related conditions. This variant is not present in population databases (gnomAD no frequency). This sequence change replaces threonine, which is neutral and polar, with serine, which is neutral and polar, at codon 568 of the BAG3 protein (p.Thr568Ser).

NM_004281.4(BAG3):c.1703C>G (p.Thr568Ser)

Gene: BAG3 (BAG cochaperone 3; plus strand). Cytogenetic location: 10q26.11.
Variant type: single nucleotide variant.
Coding change: c.1703C>G on transcript NM_004281.4 (MANE Select); coding-DNA position 1703, C replaced by G.
Protein change: p.Thr568Ser; replaces threonine 568 with serine.
Molecular consequence: missense variant.
Genome position (GRCh38, 1-based): chr10:119,677,257, C>G. VCF-style: chr10-119677257-C-G. GRCh37 (hg19) VCF-style: chr10-121436769-C-G.
Other names: short protein forms T568S.
Identifiers: ClinVar variation 650209 (VCV000650209.10), dbSNP rs1564777190, ClinGen allele CA378297895.